The following is an entry in ClinVar:

ClinVar aggregate classification (germline): Uncertain significance (1 of 4 stars; one submission).

Conditions:
Short-rib thoracic dysplasia 6 with or without polydactyly (SRTD6). Also called: Majewski Syndrome; SHORT RIB-POLYDACTYLY SYNDROME, TYPE IIA; POLYDACTYLY WITH NEONATAL CHONDRODYSTROPHY, TYPE II; SHORT-RIB THORACIC DYSPLASIA 6 WITH POLYDACTYLY; SHORT-RIB THORACIC DYSPLASIA 6 WITHOUT POLYDACTYLY. Identifiers: MedGen C0024507, MONDO:0009894, OMIM 263520.

Submission:

Labcorp Genetics (formerly Invitae), Labcorp
Classification: Uncertain significance for Short-rib thoracic dysplasia 6 with or without polydactyly. Last evaluated: 2022-09-07. Review status: criteria provided, single submitter. Criteria: Invitae Variant Classification Sherloc (09022015). Collection method: clinical testing. Allele origin: germline.
Comment: This sequence change replaces proline, which is neutral and non-polar, with alanine, which is neutral and non-polar, at codon 179 of the NEK1 protein (p.Pro179Ala). In summary, the available evidence is currently insufficient to determine the role of this variant in disease. Therefore, it has been classified as a Variant of Uncertain Significance. Algorithms developed to predict the effect of missense changes on protein structure and function (SIFT, PolyPhen-2, Align-GVGD) all suggest that this variant is likely to be disruptive. This variant has not been reported in the literature in individuals affected with NEK1-related conditions. This variant is not present in population databases (gnomAD no frequency).

NM_001199397.3(NEK1):c.535C>G (p.Pro179Ala)

Gene: NEK1 (NIMA related kinase 1; minus strand). Cytogenetic location: 4q33.
Variant type: single nucleotide variant.
Coding change: c.535C>G on transcript NM_001199397.3 (MANE Select); coding-DNA position 535, C replaced by G.
Protein change: p.Pro179Ala; replaces proline 179 with alanine.
Molecular consequence: missense variant. On other transcripts: non-coding transcript variant (2).
Genome position (GRCh38, 1-based): chr4:169,588,665, G>C on the plus strand (C>G on the coding strand, the complement: NEK1 is on the minus strand). VCF-style: chr4-169588665-G-C. GRCh37 (hg19) VCF-style: chr4-170509816-G-C.
Other names: c.535C>G, p.Pro179Ala (NM_001199398.3, NM_001199399.3, NM_001199400.3 and 7 more transcripts); short protein forms P179A.
Identifiers: ClinVar variation 1718187 (VCV001718187.5), dbSNP rs2546925204, ClinGen allele CA358740586.